The following is an entry in ClinVar:

NM_000061.3(BTK):c.1138C>G (p.Gln380Glu)

Gene: BTK (Bruton tyrosine kinase; minus strand). Cytogenetic location: Xq22.1.
Variant type: single nucleotide variant.
Coding change: c.1138C>G on transcript NM_000061.3 (MANE Select); coding-DNA position 1138, C replaced by G.
Protein change: p.Gln380Glu; replaces glutamine 380 with glutamic acid.
Molecular consequence: missense variant. On other transcripts: intron variant (1).
Genome position (GRCh38, 1-based): chrX:101,357,548, G>C on the plus strand (C>G on the coding strand, the complement: BTK is on the minus strand). VCF-style: chrX-101357548-G-C. GRCh37 (hg19) VCF-style: chrX-100612536-G-C.
Other names: c.1240C>G, p.Gln414Glu (NM_001287344.2); c.1038+826C>G (NM_001287345.2); short protein forms Q380E, Q414E.
Identifiers: ClinVar variation 4776740 (VCV004776740.1).

ClinVar aggregate classification (germline): Uncertain significance (1 of 4 stars; one submission).

Conditions:
X-linked agammaglobulinemia with growth hormone deficiency (IGHD3). Also called: AGAMMAGLOBULINEMIA AND ISOLATED GROWTH HORMONE DEFICIENCY, X-LINKED; FLEISHER SYNDROME; ISOLATED GROWTH HORMONE DEFICIENCY, TYPE III, WITH AGAMMAGLOBULINEMIA; Isolated growth hormone deficiency type 3; Growth hormone deficiency with hypogammaglobulinemia; HYPOGAMMAGLOBULINEMIA AND ISOLATED GROWTH HORMONE DEFICIENCY, X-LINKED. Identifiers: Orphanet 231692, Orphanet 631, MedGen C0472813, MONDO:0010615, OMIM 307200.

Submission:

Labcorp Genetics (formerly Invitae), Labcorp
Classification: Uncertain significance for X-linked agammaglobulinemia with growth hormone deficiency. Last evaluated: 2025-07-09. Review status: criteria provided, single submitter. Criteria: Invitae Variant Classification Sherloc (09022015). Collection method: clinical testing. Allele origin: germline.
Comment: This sequence change replaces glutamine, which is neutral and polar, with glutamic acid, which is acidic and polar, at codon 380 of the BTK protein (p.Gln380Glu). This variant is not present in population databases (gnomAD no frequency). This variant has not been reported in the literature in individuals affected with BTK-related conditions. Invitae Evidence Modeling of protein sequence and biophysical properties (such as structural, functional, and spatial information, amino acid conservation, physicochemical variation, residue mobility, and thermodynamic stability) indicates that this missense variant is not expected to disrupt BTK protein function with a negative predictive value of 95%. In summary, the available evidence is currently insufficient to determine the role of this variant in disease. Therefore, it has been classified as a Variant of Uncertain Significance.